The following is an entry in ClinVar:

NM_000081.4(LYST):c.4549G>A (p.Asp1517Asn)

Gene: LYST (lysosomal trafficking regulator; minus strand). Cytogenetic location: 1q42.3.
Variant type: single nucleotide variant.
Coding change: c.4549G>A on transcript NM_000081.4 (MANE Select); coding-DNA position 4549, G replaced by A.
Protein change: p.Asp1517Asn; replaces aspartic acid 1517 with asparagine.
Molecular consequence: missense variant.
Genome position (GRCh38, 1-based): chr1:235,788,840, C>T on the plus strand (G>A on the coding strand, the complement: LYST is on the minus strand). VCF-style: chr1-235788840-C-T. GRCh37 (hg19) VCF-style: chr1-235952140-C-T.
Other names: c.4549G>A, p.Asp1517Asn (NM_001301365.1); c.4549G>A (NM_000081.2); short protein forms D1517N.
Identifiers: ClinVar variation 1988485 (VCV001988485.2), dbSNP rs1335874945, ClinGen allele CA344958515.

ClinVar aggregate classification (germline): Conflicting classifications of pathogenicity. Review status: criteria provided, conflicting classifications (1 of 4 stars). 2 submissions from 2 submitters: Uncertain significance (1); Likely benign (1). Last evaluated 2025-02-07.

Conditions:
Inborn genetic diseases. Identifiers: MedGen C0950123, MeSH D030342.
Chédiak-Higashi syndrome (CHS). Also called: Chediak-Higashi Syndrome. Identifiers: Orphanet 167, MedGen C0007965, MONDO:0008963, OMIM 214500.

Allele frequency attached by ClinVar (database versions not stated): gnomAD exomes 0.00001.
gnomAD v4.1: 11 of 1,613,432 alleles (0.00068%); highest among the groups gnomAD compares: Middle Eastern, 0.033%; no homozygotes.

Submissions (2):

Ambry Genetics
Classification: Likely benign for Inborn genetic diseases. Last evaluated: 2025-02-07. Review status: criteria provided, single submitter. Criteria: Ambry Variant Classification Scheme 2023. Collection method: clinical testing. Allele origin: germline.

Labcorp Genetics (formerly Invitae), Labcorp
Classification: Uncertain significance for Chédiak-Higashi syndrome. Last evaluated: 2022-11-02. Review status: criteria provided, single submitter. Criteria: Invitae Variant Classification Sherloc (09022015). Collection method: clinical testing. Allele origin: germline.
Comment: This sequence change replaces aspartic acid, which is acidic and polar, with asparagine, which is neutral and polar, at codon 1517 of the LYST protein (p.Asp1517Asn). The frequency data for this variant in the population databases is considered unreliable, as metrics indicate poor data quality at this position in the gnomAD database. This variant has not been reported in the literature in individuals affected with LYST-related conditions. Advanced modeling of protein sequence and biophysical properties (such as structural, functional, and spatial information, amino acid conservation, physicochemical variation, residue mobility, and thermodynamic stability) performed at Invitae indicates that this missense variant is not expected to disrupt LYST protein function. In summary, the available evidence is currently insufficient to determine the role of this variant in disease. Therefore, it has been classified as a Variant of Uncertain Significance.